The following is an entry in ClinVar:

ClinVar aggregate classification (germline): Uncertain significance (1 of 4 stars; one submission).

Allele frequency attached by ClinVar (database versions not stated): gnomAD 0.00001; ExAC 0.00002; TOPMed 0.00002.
gnomAD v4.1: 47 of 1,614,070 alleles (0.0029%); highest among the groups gnomAD compares: Non-Finnish European, 0.0039%; no homozygotes.

Submission:

Labcorp Genetics (formerly Invitae), Labcorp
Classification: Uncertain significance. Last evaluated: 2023-11-25. Review status: criteria provided, single submitter. Criteria: Invitae Variant Classification Sherloc (09022015). Collection method: clinical testing. Allele origin: germline.
Comment: This sequence change replaces glutamic acid, which is acidic and polar, with aspartic acid, which is acidic and polar, at codon 314 of the ADAMTS17 protein (p.Glu314Asp). This variant is present in population databases (rs770821999, gnomAD 0.003%). This variant has not been reported in the literature in individuals affected with ADAMTS17-related conditions. An algorithm developed to predict the effect of missense changes on protein structure and function (PolyPhen-2) suggests that this variant is likely to be disruptive. In summary, the available evidence is currently insufficient to determine the role of this variant in disease. Therefore, it has been classified as a Variant of Uncertain Significance.

NM_139057.4(ADAMTS17):c.942G>C (p.Glu314Asp)

Gene: ADAMTS17 (ADAM metallopeptidase with thrombospondin type 1 motif 17; minus strand). Cytogenetic location: 15q26.3.
Variant type: single nucleotide variant.
Coding change: c.942G>C on transcript NM_139057.4 (MANE Select); coding-DNA position 942, G replaced by C.
Protein change: p.Glu314Asp; replaces glutamic acid 314 with aspartic acid.
Molecular consequence: missense variant.
Genome position (GRCh38, 1-based): chr15:100,261,568, C>G on the plus strand (G>C on the coding strand, the complement: ADAMTS17 is on the minus strand). VCF-style: chr15-100261568-C-G. GRCh37 (hg19) VCF-style: chr15-100801773-C-G.
Other names: short protein forms E314D.
Identifiers: ClinVar variation 2905664 (VCV002905664.1), dbSNP rs770821999, ClinGen allele CA7758473.